The following is an entry in ClinVar:

NM_015100.4(POGZ):c.3403G>C (p.Glu1135Gln)

Gene: POGZ (pogo transposable element derived with ZNF domain; minus strand). Cytogenetic location: 1q21.3.
Variant type: single nucleotide variant.
Coding change: c.3403G>C on transcript NM_015100.4 (MANE Select); coding-DNA position 3403, G replaced by C.
Protein change: p.Glu1135Gln; replaces glutamic acid 1135 with glutamine.
Molecular consequence: missense variant.
Genome position (GRCh38, 1-based): chr1:151,405,632, C>G on the plus strand (G>C on the coding strand, the complement: POGZ is on the minus strand). VCF-style: chr1-151405632-C-G. GRCh37 (hg19) VCF-style: chr1-151378108-C-G.
Other names: c.3376G>C, p.Glu1126Gln (NM_001194937.2); c.3217G>C, p.Glu1073Gln (NM_001194938.2); c.3424G>C, p.Glu1142Gln (NM_001410860.1); c.3118G>C, p.Glu1040Gln (NM_145796.4); c.3244G>C, p.Glu1082Gln (NM_207171.2); short protein forms E1040Q, E1073Q, E1082Q, E1126Q, E1135Q, E1142Q.
Identifiers: ClinVar variation 2431489 (VCV002431489.2), dbSNP rs2529201620, ClinGen allele CA341943225.
Genomic context (GRCh38, chr1:151,405,632, plus strand): 5'-GTTCCCCTGTGCCCACTGTCTGCAGGGCATTCTCCTTTCGATCATCACTGCTCAGCACCT[C>G]TGTATCCAGGAACAAAGAGATCTCATCAATAGCCACAATCATAGACAAGGGTAAGTCCTG-3'
Protein context (NP_055915.2, residues 1125-1145): IDEISLFLDT[Glu1135Gln]VLSSDDRKEN

ClinVar aggregate classification (germline): Uncertain significance (1 of 4 stars; one submission).

Conditions:
Intellectual disability-microcephaly-strabismus-behavioral abnormalities syndrome. Also called: White-Sutton Syndrome. Identifiers: Orphanet 468678, MedGen C4225351, MONDO:0014606, OMIM 616364.

Submission:

Laboratorio de Genetica e Diagnostico Molecular, Hospital Israelita Albert Einstein
Classification: Uncertain significance for Intellectual disability-microcephaly-strabismus-behavioral abnormalities syndrome. Last evaluated: 2022-09-16. Review status: criteria provided, single submitter. Criteria: ACMG Guidelines, 2015. Collection method: clinical testing. Allele origin: germline. Affected: yes.
Comment: ACMG classification criteria: PM2 moderated, BP4 supporting